The following is an entry in ClinVar:

ClinVar aggregate classification (germline): Conflicting classifications of pathogenicity. Review status: criteria provided, conflicting classifications (1 of 4 stars). 2 submissions from 2 submitters: Uncertain significance (1); Likely benign (1). Last evaluated 2025-03-23.

Allele frequency attached by ClinVar (database versions not stated): gnomAD exomes below 0.00001; ExAC 0.00001; gnomAD 0.00006 and 0.00007; TOPMed 0.00011.
gnomAD v4.1: 14 of 1,613,558 alleles (0.00087%); highest among the groups gnomAD compares: Admixed American, 0.01%; no homozygotes.

Submissions (2):

Labcorp Genetics (formerly Invitae), Labcorp
Classification: Likely benign. Last evaluated: 2025-03-23. Review status: criteria provided, single submitter. Criteria: Invitae Variant Classification Sherloc (09022015). Collection method: clinical testing. Allele origin: germline.

Athena Diagnostics
Classification: Uncertain significance. Last evaluated: 2024-07-12. Review status: criteria provided, single submitter. Criteria: Athena Diagnostics Criteria. Collection method: clinical testing. Allele origin: unknown.
Comment: Available data are insufficient to determine the clinical significance of the variant at this time. The frequency of this variant in the general population is uninformative in assessment of its pathogenicity. Computational tools yielded predictions that this variant is unlikely to have an effect on normal RNA splicing.

NM_020247.5(COQ8A):c.1081-6C>T

Gene: COQ8A (coenzyme Q8A; plus strand). Cytogenetic location: 1q42.13.
Variant type: single nucleotide variant.
Coding change: c.1081-6C>T on transcript NM_020247.5 (MANE Select); 6 bases into the intron before coding-DNA position 1081, C replaced by T.
Molecular consequence: intron variant.
Genome position (GRCh38, 1-based): chr1:226,983,546, C>T. VCF-style: chr1-226983546-C-T. GRCh37 (hg19) VCF-style: chr1-227171247-C-T.
Other names: c.1081-6C>T (NM_020247.4).
Identifiers: ClinVar variation 1632849 (VCV001632849.10), dbSNP rs774626751, ClinGen allele CA1425300.